The following is an entry in ClinVar:

ClinVar aggregate classification (germline): Conflicting classifications of pathogenicity. Review status: criteria provided, conflicting classifications (1 of 4 stars). 5 submissions from 5 submitters: Uncertain significance (1); Benign (1); Likely benign (2). 1 of the submissions does not count toward it. Last evaluated 2026-01-26.

Conditions:
Corneal dystrophy. Identifiers: Orphanet 34533, MedGen C0010036, MONDO:0018102, HP:0001131.
SLC4A11-related disorder. Also called: SLC4A11-related condition.
Corneal dystrophy-perceptive deafness syndrome (CDPD). Also called: CORNEAL DYSTROPHY AND SENSORINEURAL DEAFNESS; HARBOYAN SYNDROME. Identifiers: Orphanet 1490, MedGen C1857572, MONDO:0009015, OMIM 217400.

Allele frequency attached by ClinVar (database versions not stated): gnomAD 0.00048; ExAC 0.00081; 1000 Genomes Project 30x 0.00109; 1000 Genomes Project 0.00120; gnomAD exomes 0.00084; TOPMed 0.00104.
gnomAD v4.1: 413 of 1,614,110 alleles (0.026%); highest among the groups gnomAD compares: East Asian, 0.59%; 1 homozygote.

Submissions (5):

Labcorp Genetics (formerly Invitae), Labcorp
Classification: Benign. Last evaluated: 2026-01-26. Review status: criteria provided, single submitter. Criteria: Invitae Variant Classification Sherloc (09022015). Collection method: clinical testing. Allele origin: germline.

Blueprint Genetics
Classification: Likely benign. Last evaluated: 2024-11-15. Review status: criteria provided, single submitter. Criteria: ACMG Guidelines, 2015. Collection method: clinical testing. Allele origin: germline.

PreventionGenetics, part of Exact Sciences
Classification: Likely benign for SLC4A11-related condition. Last evaluated: 2024-10-29. Review status: criteria provided, single submitter. Criteria: ACMG Guidelines, 2015. Collection method: clinical testing. Allele origin: germline.
Comment: This variant is classified as likely benign based on ACMG/AMP sequence variant interpretation guidelines (Richards et al. 2015 PMID: 25741868, with internal and published modifications).

Illumina Laboratory Services, Illumina
Classification: Uncertain significance for Corneal dystrophy. Last evaluated: 2018-01-13. Review status: criteria provided, single submitter. Criteria: ICSL Variant Classification Criteria 13 December 2019. Collection method: clinical testing. Allele origin: germline.

Natera, Inc.
Classification: Likely benign for Corneal dystrophy-perceptive deafness syndrome. Last evaluated: 2019-10-24. Review status: no assertion criteria provided. Collection method: clinical testing. Allele origin: germline. Not counted in ClinVar's aggregate classification.

NM_001174089.2(SLC4A11):c.903G>A (p.Thr301=)

Gene: SLC4A11 (solute carrier family 4 member 11; minus strand). Cytogenetic location: 20p13.
Variant type: single nucleotide variant.
Coding change: c.903G>A on transcript NM_001174089.2 (MANE Select); coding-DNA position 903, G replaced by A.
Protein change: p.Thr301=; no amino-acid change (threonine 301 retained).
Molecular consequence: synonymous variant. On other transcripts: non-coding transcript variant (1).
Genome position (GRCh38, 1-based): chr20:3,231,375, C>T on the plus strand (G>A on the coding strand, the complement: SLC4A11 is on the minus strand). VCF-style: chr20-3231375-C-T. GRCh37 (hg19) VCF-style: chr20-3212021-C-T.
Other names: c.1032G>A, p.Thr344= (NM_001174090.2); c.903G>A, p.Thr301= (NM_001363745.2); c.951G>A, p.Thr317= (NM_032034.4).
Identifiers: ClinVar variation 738272 (VCV000738272.16), dbSNP rs193080010, ClinGen allele CA9742098.